The following is an entry in ClinVar:

NM_030924.5(ACSBG2):c.804T>C (p.Val268=)

Genes: ACSBG2 (acyl-CoA synthetase bubblegum family member 2; plus strand), LOC105372255 (uncharacterized LOC105372255; minus strand). Cytogenetic location: 19p13.3.
Variant type: single nucleotide variant.
Coding change: c.804T>C on transcript NM_030924.5 (MANE Select); coding-DNA position 804, T replaced by C.
Protein change: p.Val268=; no amino-acid change (valine 268 retained).
Molecular consequence: synonymous variant.
Genome position (GRCh38, 1-based): chr19:6,177,294, T>C. VCF-style: chr19-6177294-T-C. GRCh37 (hg19) VCF-style: chr19-6177305-T-C.
Other names: c.804T>C, p.Val268= (NM_001289177.2, NM_001289178.2, NM_001289179.2); c.243T>C, p.Val81= (NM_001289180.2); c.654T>C, p.Val218= (NM_001321384.2).
Identifiers: ClinVar variation 2649130 (VCV002649130.24), dbSNP rs764531996, ClinGen allele CA9121442.

ClinVar aggregate classification (germline): Likely benign (1 of 4 stars; one submission).

Allele frequency attached by ClinVar (database versions not stated): ExAC 0.00001; gnomAD 0.00001.

Submission:

CeGaT Center for Human Genetics Tuebingen
Classification: Likely benign. Last evaluated: 2026-03-01. Review status: criteria provided, single submitter. Criteria: CeGaT Center For Human Genetics Tuebingen Variant Classification Criteria Version 2. Collection method: clinical testing. Allele origin: germline. Affected: yes. Observed: 3 variant alleles.
Comment: ACSBG2: BP4, BP7